The following is an entry in ClinVar:

NM_017671.5(FERMT1):c.1037C>A (p.Ala346Glu)

Gene: FERMT1 (FERM domain containing kindlin 1; minus strand). Cytogenetic location: 20p12.3.
Variant type: single nucleotide variant.
Coding change: c.1037C>A on transcript NM_017671.5 (MANE Select); coding-DNA position 1037, C replaced by A.
Protein change: p.Ala346Glu; replaces alanine 346 with glutamic acid.
Molecular consequence: missense variant.
Genome position (GRCh38, 1-based): chr20:6,096,954, G>T on the plus strand (C>A on the coding strand, the complement: FERMT1 is on the minus strand). VCF-style: chr20-6096954-G-T. GRCh37 (hg19) VCF-style: chr20-6077601-G-T.
Other names: short protein forms A346E.
Identifiers: ClinVar variation 1715691 (VCV001715691.5), dbSNP rs148022730, ClinGen allele CA408182402.

ClinVar aggregate classification (germline): Uncertain significance (1 of 4 stars; one submission).

gnomAD v4.1: 1 of 1,613,890 alleles (0.000062%); highest among the groups gnomAD compares: Non-Finnish European, 0.000085%; no homozygotes.

Submission:

Labcorp Genetics (formerly Invitae), Labcorp
Classification: Uncertain significance. Last evaluated: 2022-08-08. Review status: criteria provided, single submitter. Criteria: Invitae Variant Classification Sherloc (09022015). Collection method: clinical testing. Allele origin: germline.
Comment: In summary, the available evidence is currently insufficient to determine the role of this variant in disease. Therefore, it has been classified as a Variant of Uncertain Significance. Algorithms developed to predict the effect of missense changes on protein structure and function are either unavailable or do not agree on the potential impact of this missense change (SIFT: "Deleterious"; PolyPhen-2: "Probably Damaging"; Align-GVGD: "Class C15"). This variant has not been reported in the literature in individuals affected with FERMT1-related conditions. This variant is not present in population databases (gnomAD no frequency). This sequence change replaces alanine, which is neutral and non-polar, with glutamic acid, which is acidic and polar, at codon 346 of the FERMT1 protein (p.Ala346Glu).